The following is an entry in ClinVar:

NM_006885.4(ZFHX3):c.5688C>T (p.Ala1896=)

Genes: ZFHX3 (zinc finger homeobox 3; minus strand), ZFHX3-AS1 (ZFHX3 antisense RNA 1; plus strand). Cytogenetic location: 16q22.2.
Variant type: single nucleotide variant.
Coding change: c.5688C>T on transcript NM_006885.4 (MANE Select); coding-DNA position 5688, C replaced by T.
Protein change: p.Ala1896=; no amino-acid change (alanine 1896 retained).
Molecular consequence: synonymous variant.
Genome position (GRCh38, 1-based): chr16:72,796,994, G>A on the plus strand (C>T on the coding strand, the complement: ZFHX3 is on the minus strand). VCF-style: chr16-72796994-G-A. GRCh37 (hg19) VCF-style: chr16-72830893-G-A.
Other names: c.2946C>T, p.Ala982= (NM_001164766.2); c.5688C>T, p.Ala1896= (NM_001386735.1).
Identifiers: ClinVar variation 5041156 (VCV005041156.1).
Genomic context (GRCh38, chr16:72,796,994, plus strand): 5'-TTTGGCCTTCAAGGCATCTGGCAGTGTTTCCTTCGGACCGGTGTTGCCCTCTCCCCCCTC[G>A]GCGCTGTCCCTCTCTCTCTGGCTTTCTTTTTCCTTTTCTTTGATGACCAATTTGTTCTTC-3'
Protein context (NP_008816.3, residues 1886-1906): EKESQRERDS[Ala1896=]EGGEGNTGPK

ClinVar aggregate classification (germline): Likely benign (1 of 4 stars; one submission).

gnomAD v4.1: 8 of 1,613,792 alleles (0.0005%); highest among the groups gnomAD compares: South Asian, 0.0022%; no homozygotes.

Submission:

CeGaT Center for Human Genetics Tuebingen
Classification: Likely benign. Last evaluated: 2026-09-01. Review status: criteria provided, single submitter. Criteria: CeGaT Center For Human Genetics Tuebingen Variant Classification Criteria Version 2. Collection method: clinical testing. Allele origin: germline. Affected: yes. Observed: 1 variant allele.
Comment: ZFHX3: BP4, BP7